The following is an entry in ClinVar:

NM_001089.3(ABCA3):c.2006T>C (p.Met669Thr)

Gene: ABCA3 (ATP binding cassette subfamily A member 3; minus strand). Cytogenetic location: 16p13.3.
Variant type: single nucleotide variant.
Coding change: c.2006T>C on transcript NM_001089.3 (MANE Select); coding-DNA position 2006, T replaced by C.
Protein change: p.Met669Thr; replaces methionine 669 with threonine.
Molecular consequence: missense variant.
Genome position (GRCh38, 1-based): chr16:2,297,812, A>G on the plus strand (T>C on the coding strand, the complement: ABCA3 is on the minus strand). VCF-style: chr16-2297812-A-G. GRCh37 (hg19) VCF-style: chr16-2347813-A-G.
Other names: c.2006T>C (NM_001089.2); short protein forms M669T.
Identifiers: ClinVar variation 2053139 (VCV002053139.5), dbSNP rs1208791989, ClinGen allele CA394331386.

ClinVar aggregate classification (germline): Uncertain significance. Review status: criteria provided, multiple submitters, no conflicts (2 of 4 stars). 2 submissions from 2 submitters: Uncertain significance (2). Last evaluated 2025-02-24.

Conditions:
Hereditary pulmonary alveolar proteinosis. Also called: Pulmonary surfactant metabolism dysfunction. Identifiers: Orphanet 264675, MedGen C3711368, MONDO:0012580.

Allele frequency attached by ClinVar (database versions not stated): gnomAD exomes 0.00001.
gnomAD v4.1: 7 of 1,613,578 alleles (0.00043%); highest among the groups gnomAD compares: Admixed American, 0.0017%; no homozygotes.

Submissions (2):

Labcorp Genetics (formerly Invitae), Labcorp
Classification: Uncertain significance. Last evaluated: 2025-02-24. Review status: criteria provided, single submitter. Criteria: Invitae Variant Classification Sherloc (09022015). Collection method: clinical testing. Allele origin: germline.
Comment: This sequence change replaces methionine, which is neutral and non-polar, with threonine, which is neutral and polar, at codon 669 of the ABCA3 protein (p.Met669Thr). This variant is present in population databases (no rsID available, gnomAD 0.0009%). This variant has not been reported in the literature in individuals affected with ABCA3-related conditions. ClinVar contains an entry for this variant (Variation ID: 2053139). Invitae Evidence Modeling of protein sequence and biophysical properties (such as structural, functional, and spatial information, amino acid conservation, physicochemical variation, residue mobility, and thermodynamic stability) indicates that this missense variant is not expected to disrupt ABCA3 protein function with a negative predictive value of 80%. In summary, the available evidence is currently insufficient to determine the role of this variant in disease. Therefore, it has been classified as a Variant of Uncertain Significance.

Ambry Genetics
Classification: Uncertain significance for Hereditary pulmonary alveolar proteinosis. Last evaluated: 2024-12-16. Review status: criteria provided, single submitter. Criteria: Ambry Variant Classification Scheme 2023. Collection method: clinical testing. Allele origin: germline.